The following is an entry in ClinVar:

NM_000240.4(MAOA):c.1180G>C (p.Glu394Gln)

Gene: MAOA (monoamine oxidase A; plus strand). Cytogenetic location: Xp11.3.
Variant type: single nucleotide variant.
Coding change: c.1180G>C on transcript NM_000240.4 (MANE Select); coding-DNA position 1180, G replaced by C.
Protein change: p.Glu394Gln; replaces glutamic acid 394 with glutamine.
Molecular consequence: missense variant.
Genome position (GRCh38, 1-based): chrX:43,741,965, G>C. VCF-style: chrX-43741965-G-C. GRCh37 (hg19) VCF-style: chrX-43601212-G-C.
Other names: c.781G>C, p.Glu261Gln (NM_001270458.2); short protein forms E261Q, E394Q.
Identifiers: ClinVar variation 3256735 (VCV003256735.1).

ClinVar aggregate classification (germline): Likely pathogenic (0 of 4 stars; one submission).

Conditions:
Brunner syndrome (BRNRS). Identifiers: Orphanet 3057, MedGen C0796275, MONDO:0010379, OMIM 300615.

Submission:

Solve-RD Consortium
Classification: Likely pathogenic for Brunner syndrome. Last evaluated: 2022-06-01. Review status: no assertion criteria provided. Collection method: provider interpretation. Allele origin: inherited. Affected: yes.
Comment: Variant confirmed as disease-causing by referring clinical team

Variant identified during reanalysis of unsolved cases by the Solve-RD project. The Solve-RD project has received funding from the European Union’s Horizon 2020 research and innovation programme under grant agreement No 779257.

Literature cited by the submitters: PubMed 39825153.